The following is an entry in ClinVar:

ClinVar aggregate classification (germline): Uncertain significance (1 of 4 stars; one submission).

Conditions:
MPZL2-related disorder. Also called: MPZL2-related condition.

gnomAD v4.1: 14 of 1,614,084 alleles (0.00087%); highest among the groups gnomAD compares: Admixed American, 0.017%; no homozygotes.

Submission:

PreventionGenetics, part of Exact Sciences
Classification: Uncertain significance for MPZL2-related condition. Last evaluated: 2026-08-26. Review status: criteria provided, single submitter. Criteria: ACMG Guidelines, 2015. Collection method: clinical testing. Allele origin: germline.
Comment: The MPZL2 c.164T>A variant is predicted to result in the amino acid substitution p.Val55Glu. To our knowledge, this variant has not been reported in the literature. This variant is reported in 0.023% of alleles in individuals of Latino descent in gnomAD. At this time, the clinical significance of this variant is uncertain due to the absence of conclusive functional and genetic evidence.

NM_005797.4(MPZL2):c.164T>A (p.Val55Glu)

Gene: MPZL2 (myelin protein zero like 2; minus strand). Cytogenetic location: 11q23.3.
Variant type: single nucleotide variant.
Coding change: c.164T>A on transcript NM_005797.4 (MANE Select); coding-DNA position 164, T replaced by A.
Protein change: p.Val55Glu; replaces valine 55 with glutamic acid.
Molecular consequence: missense variant.
Genome position (GRCh38, 1-based): chr11:118,262,992, A>T on the plus strand (T>A on the coding strand, the complement: MPZL2 is on the minus strand). VCF-style: chr11-118262992-A-T. GRCh37 (hg19) VCF-style: chr11-118133707-A-T.
Other names: c.164T>A, p.Val55Glu (NM_144765.3); short protein forms V55E.
Identifiers: ClinVar variation 4977615 (VCV004977615.1).